The following is an entry in ClinVar:

ClinVar aggregate classification (oncogenicity): Oncogenic (1 of 4 stars; one submission).

Conditions:
Acute myeloid leukemia (AML). Also called: Acute myeloid leukemia, adult; AML adult; Acute non-lymphocytic leukemia; Acute granulocytic leukemia; Leukemia, acute myeloid, somatic; Leukemia, acute myelogenous, somatic. Identifiers: Orphanet 519, MedGen C0023467, MeSH D015470, MONDO:0018874, OMIM 601626, HP:0004808. Disease mechanism: Constitutively activated FLT3.

Submission:

Microbiology and Molecular Biology Lab, Lahore College for Women University
Classification: Oncogenic for Acute myeloid leukemia. Last evaluated: 2025-10-12. Review status: criteria provided, single submitter. Criteria: Assertion Criteria 1.0. Collection method: reference population. Allele origin: somatic. Affected: yes.
Comment: NRAS cDNA Change: c.260_264delGCAAGinsATTTT is somatic, oncogenic mutation which is not commonly seen in any databases. This mutation is seen in exon 3 of NRAS gene where GTP ad GDP interconversion takes place. In this variant, two amino acids deletion and insertion of two amino acids p.S87_K88delinsNF found which changes activity of protein. This variant has never been reported in case of AML. This variant has highly damaging effect on protein activity, structure, function, kinase activity and have oncogenic protentional after predicting this variant by various bioinformatics tools.

NM_002524.5(NRAS):c.260_264delinsATTTT (p.Ser87_Lys88delinsAsnPhe)

Gene: NRAS (NRAS proto-oncogene, GTPase; minus strand). Cytogenetic location: 1p13.2.
Variant type: Indel.
Coding change: c.260_264delinsATTTT on transcript NM_002524.5 (MANE Select); coding-DNA positions 260 to 264, GCAAG replaced by ATTTT.
Protein change: p.Ser87_Lys88delinsAsnPhe.
Molecular consequence: missense variant.
Genome position (GRCh38, 1-based): chr1:114,713,826-114,713,830, CTTGC replaced by AAAAT on the plus strand (GCAAG replaced by ATTTT on the coding strand, the reverse complement: NRAS is on the minus strand). VCF-style: chr1-114713826-CTTGC-AAAAT. GRCh37 (hg19) VCF-style: chr1-115256447-CTTGC-AAAAT.
Other names: c.260_264delGCAAGinsATTTT (NM_002524.5).
Identifiers: ClinVar variation 4526610 (VCV004526610.1).
Genomic context (GRCh38, chr1:114,713,826, plus strand): 5'-ATCATCCTTTCAGAGAAAATAATGCTCCTAGTACCTGTAGAGGTTAATATCCGCAAATGA[CTTGC>AAAAT]TATTATTGATGGCAAATACACAGAGGAAGCCTTCGCCTGTCCTCATGTATTGGTCTCTCA-3'